The following is an entry in ClinVar:

NM_001142966.3(GREB1L):c.1068G>A (p.Thr356=)

Genes: GREB1L (GREB1 like retinoic acid receptor coactivator; plus strand), GREB1L-AS1 (GREB1L antisense RNA 1; minus strand). Cytogenetic location: 18q11.1.
Variant type: single nucleotide variant.
Coding change: c.1068G>A on transcript NM_001142966.3 (MANE Select); coding-DNA position 1068, G replaced by A.
Protein change: p.Thr356=; no amino-acid change (threonine 356 retained).
Molecular consequence: synonymous variant.
Genome position (GRCh38, 1-based): chr18:21,440,387, G>A. VCF-style: chr18-21440387-G-A. GRCh37 (hg19) VCF-style: chr18-19020348-G-A.
Other names: c.1197G>A, p.Thr399= (NM_001410867.1); c.1068G>A, p.Thr356= (NM_001410868.1).
Identifiers: ClinVar variation 2890841 (VCV002890841.3), dbSNP rs1041442097, ClinGen allele CA296907632.

ClinVar aggregate classification (germline): Uncertain significance (1 of 4 stars; one submission).

Allele frequency attached by ClinVar (database versions not stated): TOPMed below 0.00001; gnomAD exomes 0.00002.

Submission:

Labcorp Genetics (formerly Invitae), Labcorp
Classification: Uncertain significance. Last evaluated: 2024-12-02. Review status: criteria provided, single submitter. Criteria: Invitae Variant Classification Sherloc (09022015). Collection method: clinical testing. Allele origin: germline.
Comment: This sequence change affects codon 356 of the GREB1L mRNA. It is a 'silent' change, meaning that it does not change the encoded amino acid sequence of the GREB1L protein. It affects a nucleotide within the consensus splice site. This variant is not present in population databases (gnomAD no frequency). This variant has not been reported in the literature in individuals affected with GREB1L-related conditions. ClinVar contains an entry for this variant (Variation ID: 2890841). Algorithms developed to predict the effect of sequence changes on RNA splicing suggest that this variant is not likely to affect RNA splicing. In summary, the available evidence is currently insufficient to determine the role of this variant in disease. Therefore, it has been classified as a Variant of Uncertain Significance.